The following is an entry in ClinVar:

ClinVar aggregate classification (germline): Uncertain significance. Review status: criteria provided, multiple submitters, no conflicts (2 of 4 stars). 3 submissions from 3 submitters: Uncertain significance (3). Last evaluated 2024-02-13.

Conditions:
Otofaciocervical syndrome 2 (OTFCS2). Also called: OTOFACIOCERVICAL SYNDROME 2, WITH T-CELL DEFICIENCY. Identifiers: MedGen C5442121, MONDO:0014254, OMIM 615560.
Inborn genetic diseases. Identifiers: MedGen C0950123, MeSH D030342.

Allele frequency attached by ClinVar (database versions not stated): gnomAD exomes below 0.00001 and 0.00001; ExAC 0.00001; gnomAD 0.00001.
gnomAD v4.1: 4 of 1,612,426 alleles (0.00025%); highest among the groups gnomAD compares: Non-Finnish European, 0.000085%; no homozygotes.

Submissions (3):

Ambry Genetics
Classification: Uncertain significance for Inborn genetic diseases. Last evaluated: 2024-02-13. Review status: criteria provided, single submitter. Criteria: Ambry Variant Classification Scheme 2023. Collection method: clinical testing. Allele origin: germline.

Labcorp Genetics (formerly Invitae), Labcorp
Classification: Uncertain significance. Last evaluated: 2022-07-12. Review status: criteria provided, single submitter. Criteria: Invitae Variant Classification Sherloc (09022015). Collection method: clinical testing. Allele origin: germline.
Comment: This sequence change replaces proline, which is neutral and non-polar, with alanine, which is neutral and non-polar, at codon 271 of the PAX1 protein (p.Pro271Ala). This variant is present in population databases (rs756166944, gnomAD 0.01%). This variant has not been reported in the literature in individuals affected with PAX1-related conditions. ClinVar contains an entry for this variant (Variation ID: 1213764). Algorithms developed to predict the effect of missense changes on protein structure and function (SIFT, PolyPhen-2, Align-GVGD) all suggest that this variant is likely to be tolerated. In summary, the available evidence is currently insufficient to determine the role of this variant in disease. Therefore, it has been classified as a Variant of Uncertain Significance.

New York Genome Center
Classification: Uncertain significance for Otofaciocervical syndrome 2. Last evaluated: 2020-10-02. Review status: criteria provided, single submitter. Criteria: NYGC Assertion Criteria 2020. Collection method: clinical testing. Allele origin: inherited. Observed: 1 heterozygote. Study: CSER-NYCKidSeq.

NM_001257096.2(PAX1):c.811C>G (p.Pro271Ala)

Gene: PAX1 (paired box 1; plus strand). Cytogenetic location: 20p11.22.
Variant type: single nucleotide variant.
Coding change: c.811C>G on transcript NM_001257096.2 (MANE Select); coding-DNA position 811, C replaced by G.
Protein change: p.Pro271Ala; replaces proline 271 with alanine.
Molecular consequence: missense variant.
Genome position (GRCh38, 1-based): chr20:21,706,962, C>G. VCF-style: chr20-21706962-C-G. GRCh37 (hg19) VCF-style: chr20-21687600-C-G.
Other names: c.811C>G, p.Pro271Ala (NM_006192.5); c.811C>G (NM_006192.3); short protein forms P271A.
Identifiers: ClinVar variation 1213764 (VCV001213764.5), dbSNP rs756166944, ClinGen allele CA9786566.